The following is an entry in ClinVar:

NM_001127511.3(APC):c.-164G>C

Gene: APC (APC regulator of Wnt signaling pathway; plus strand). Cytogenetic location: 5q22.2.
Variant type: single nucleotide variant.
Coding change: c.-164G>C on transcript NM_001127511.3; 164 bases upstream of the start codon, G replaced by C.
Molecular consequence: 5 prime UTR variant. On other transcripts: non-coding transcript variant (2).
Genome position (GRCh38, 1-based): chr5:112,707,554, G>C. VCF-style: chr5-112707554-G-C. GRCh37 (hg19) VCF-style: chr5-112043251-G-C.
Other names: c.-347G>C (NM_001354895.2, NM_001407447.1, NM_001407452.1 and 3 more transcripts); c.-164G>C (NM_001354897.2, NM_001354902.2, NM_001407446.1); c.-114G>C (NM_001407448.1, NM_001407450.1, NM_001407457.1 and 1 more transcripts); c.-138G>C (NM_001407453.1); c.-1382G>C (NM_001407470.1, NM_001407472.1).
Identifiers: ClinVar variation 1040172 (VCV001040172.9), dbSNP rs1750576080, ClinGen allele CA1573442435.
Genomic context (GRCh38, chr5:112,707,554, plus strand): 5'-ATGCGCATTGTAGTCTTCCCACCTCCCACAAGATGGCGGAGGGCAAGTAGCAAGGGGGCG[G>C]GGTGTGGCCGCCGGAAGCCTAGCCGCTGCTCGGGGGGGACCTGCGGGCTCAGGCCCGGGA-3'

ClinVar aggregate classification (germline): Uncertain significance (1 of 4 stars; one submission).

Conditions:
Familial adenomatous polyposis 1 (FAP1). Also called: FAMILIAL ADENOMATOUS POLYPOSIS 1, ATTENUATED; POLYPOSIS, ADENOMATOUS INTESTINAL. Identifiers: MedGen C2713442, MONDO:0021056, OMIM 175100. Disease mechanism: loss of function.

Allele frequency attached by ClinVar (database versions not stated): gnomAD exomes 0.00001; TOPMed below 0.00001.
gnomAD v4.1: 4 of 593,788 alleles (0.00067%); highest among the groups gnomAD compares: Non-Finnish European, 0.00083%; no homozygotes.

Submission:

Labcorp Genetics (formerly Invitae), Labcorp
Classification: Uncertain significance for Familial adenomatous polyposis 1. Last evaluated: 2023-11-15. Review status: criteria provided, single submitter. Criteria: Invitae Variant Classification Sherloc (09022015). Collection method: clinical testing. Allele origin: germline.
Comment: This variant occurs in a non-coding region of the APC gene. It does not change the encoded amino acid sequence of the APC protein. This variant is not present in population databases (gnomAD no frequency). This variant has not been reported in the literature in individuals affected with APC-related conditions. Experimental studies and prediction algorithms are not available or were not evaluated, and the functional significance of this variant is currently unknown. In summary, the available evidence is currently insufficient to determine the role of this variant in disease. Therefore, it has been classified as a Variant of Uncertain Significance.